The following is an entry in ClinVar:

NM_004706.4(ARHGEF1):c.680G>A (p.Arg227His)

Gene: ARHGEF1 (Rho guanine nucleotide exchange factor 1; plus strand). Cytogenetic location: 19q13.2.
Variant type: single nucleotide variant.
Coding change: c.680G>A on transcript NM_004706.4 (MANE Select); coding-DNA position 680, G replaced by A.
Protein change: p.Arg227His; replaces arginine 227 with histidine.
Molecular consequence: missense variant. On other transcripts: non-coding transcript variant (2).
Genome position (GRCh38, 1-based): chr19:41,894,242, G>A. VCF-style: chr19-41894242-G-A. GRCh37 (hg19) VCF-style: chr19-42398315-G-A.
Other names: c.680G>A, p.Arg227His (NM_001396000.1, NM_001396003.1, NM_001396006.1); c.581G>A, p.Arg194His (NM_001396002.1, NM_001396004.1, NM_198977.2); c.725G>A, p.Arg242His (NM_199002.2); short protein forms R194H, R227H, R242H.
Identifiers: ClinVar variation 4767852 (VCV004767852.1).

ClinVar aggregate classification (germline): Uncertain significance (1 of 4 stars; one submission).

gnomAD v4.1: 6 of 1,559,148 alleles (0.00038%); highest among the groups gnomAD compares: South Asian, 0.0012%; no homozygotes.

Submission:

Labcorp Genetics (formerly Invitae), Labcorp
Classification: Uncertain significance. Last evaluated: 2025-06-19. Review status: criteria provided, single submitter. Criteria: Invitae Variant Classification Sherloc (09022015). Collection method: clinical testing. Allele origin: germline.
Comment: This sequence change replaces arginine, which is basic and polar, with histidine, which is basic and polar, at codon 242 of the ARHGEF1 protein (p.Arg242His). This variant is not present in population databases (gnomAD no frequency). This variant has not been reported in the literature in individuals affected with ARHGEF1-related conditions. An algorithm developed to predict the effect of missense changes on protein structure and function (PolyPhen-2) suggests that this variant is likely to be tolerated. In summary, the available evidence is currently insufficient to determine the role of this variant in disease. Therefore, it has been classified as a Variant of Uncertain Significance.